The following is an entry in ClinVar:

ClinVar aggregate classification (germline): Uncertain significance. Review status: criteria provided, multiple submitters, no conflicts (2 of 4 stars). 2 submissions from 2 submitters: Uncertain significance (2). Last evaluated 2025-02-19.

Conditions:
Epidermolysis bullosa simplex 3, localized or generalized intermediate, with BP230 deficiency (EBS3). Also called: Epidermolysis bullosa simplex due to BP230 deficiency; Epidermolysis bullosa simplex, autosomal recessive 2. Identifiers: Orphanet 412181, MedGen C3809470, MONDO:0014180, OMIM 615425.
Hereditary sensory and autonomic neuropathy type 6. Also called: Neuropathy, hereditary sensory and autonomic, type VI; HSAN VI. Identifiers: Orphanet 314381, MedGen C3539003, MONDO:0013839, OMIM 614653.

Allele frequency attached by ClinVar (database versions not stated): gnomAD exomes 0.00001; TOPMed 0.00001; ExAC 0.00002; gnomAD 0.00005 and 0.00006.
gnomAD v4.1: 34 of 1,614,056 alleles (0.0021%); highest among the groups gnomAD compares: Admixed American, 0.005%; no homozygotes.

Submissions (2):

GeneDx
Classification: Uncertain significance. Last evaluated: 2025-02-19. Review status: criteria provided, single submitter. Criteria: GeneDx Variant Classification Process June 2021. Collection method: clinical testing. Allele origin: germline.
Comment: In silico analysis indicates that this missense variant does not alter protein structure/function; Has not been previously published as pathogenic or benign to our knowledge; Reported using the transcript encoding the epithelial isoform of the gene

Labcorp Genetics (formerly Invitae), Labcorp
Classification: Uncertain significance for Epidermolysis bullosa simplex 3, localized or generalized intermediate, with BP230 deficiency; Hereditary sensory and autonomic neuropathy type 6. Last evaluated: 2024-05-02. Review status: criteria provided, single submitter. Criteria: Invitae Variant Classification Sherloc (09022015). Collection method: clinical testing. Allele origin: germline.
Comment: This sequence change replaces arginine, which is basic and polar, with glutamine, which is neutral and polar, at codon 2437 of the DST protein (p.Arg2437Gln). This variant is present in population databases (rs763761047, gnomAD 0.008%). This variant has not been reported in the literature in individuals affected with DST-related conditions. ClinVar contains an entry for this variant (Variation ID: 969668). An algorithm developed to predict the effect of missense changes on protein structure and function (PolyPhen-2) suggests that this variant is likely to be tolerated. In summary, the available evidence is currently insufficient to determine the role of this variant in disease. Therefore, it has been classified as a Variant of Uncertain Significance.

NM_001723.7(DST):c.7310G>A (p.Arg2437Gln)

Gene: DST (dystonin; minus strand). Cytogenetic location: 6p12.1.
Variant type: single nucleotide variant.
Coding change: c.7310G>A on transcript NM_001723.7 (MANE Plus Clinical); coding-DNA position 7310, G replaced by A.
Protein change: p.Arg2437Gln; replaces arginine 2437 with glutamine.
Molecular consequence: missense variant. On other transcripts: intron variant (10).
Genome position (GRCh38, 1-based): chr6:56,616,157, C>T on the plus strand (G>A on the coding strand, the complement: DST is on the minus strand). VCF-style: chr6-56616157-C-T. GRCh37 (hg19) VCF-style: chr6-56480955-C-T.
Other names: c.4831-1673G>A (NM_001144769.5); c.4930-1673G>A (NM_001374722.1, NM_001374736.1); c.4957-1673G>A (NM_001374734.1); c.4417-1673G>A (NM_001144770.2); c.4297-1673G>A (NM_001374730.1, NM_001386100.1, NM_183380.4 and 1 more transcripts); c.3319-1673G>A (NM_015548.5); short protein forms R2437Q.
Identifiers: ClinVar variation 969668 (VCV000969668.11), dbSNP rs763761047, ClinGen allele CA3869989.